The following is an entry in ClinVar:

NM_130839.5(UBE3A):c.1281_1282del (p.Glu428fs)

Genes: SNHG14 (small nucleolar RNA host gene 14; plus strand), UBE3A (ubiquitin protein ligase E3A; minus strand). Cytogenetic location: 15q11.2.
Variant type: Deletion.
Coding change: c.1281_1282del on transcript NM_130839.5 (MANE Select); coding-DNA positions 1281 to 1282, 2 bases deleted (TG; older notation c.1281_1282delTG).
Protein change: p.Glu428fs; shifts the reading frame from glutamic acid 428.
Molecular consequence: frameshift variant. On other transcripts: non-coding transcript variant (1), intron variant (2).
Genome position (GRCh38, 1-based): chr15:25,370,892-25,370,893, CA deleted on the plus strand (TG on the coding strand, the reverse complement: UBE3A is on the minus strand). VCF-style (leftmost placement, unchanged base first): chr15-25370891-TCA-T. GRCh37 (hg19) VCF-style: chr15-25616038-TCA-T.
Other names: c.1221_1222del, p.Glu408fs (NM_001354511.2, NM_001354512.2, NM_001354513.2 and 17 more transcripts); c.1281_1282del, p.Glu428fs (NM_001354538.2, NM_001354505.1, NM_001354545.2); c.1290_1291del, p.Glu431fs (NM_000462.5); c.1104_1105del, p.Glu369fs (NM_001354546.2); c.301+4572_301+4573del (NM_001354551.2); c.361+4572_361+4573del (NM_001354550.2); c.1281_1282del (NM_130839.2); short protein forms E369fs, E408fs, E428fs, E431fs.
Identifiers: ClinVar variation 3777166 (VCV003777166.1).

ClinVar aggregate classification (germline): Likely pathogenic (1 of 4 stars; one submission).

Conditions:
Angelman syndrome (AS). Also called: HAPPY PUPPET SYNDROME. Identifiers: Orphanet 72, MedGen C0162635, MONDO:0007113, OMIM 105830. Disease mechanism: loss of function. Inheritance: AS is caused by disruption of maternally imprinted UBE3A located within the 15q11.2-q13 Angelman syndrome/Prader-Willi syndrome (AS/PWS) region., imprinting disorder.

Submission:

University of Washington Department of Laboratory Medicine, University of Washington
Classification: Likely pathogenic for Angelman syndrome. Last evaluated: 2023-11-08. Review status: criteria provided, single submitter. Criteria: ACMG Guidelines, 2015. Collection method: clinical testing. Allele origin: de novo. Affected: yes.
Comment: This variant was absent from large population databases, including the Genome Aggregation Database. The p.Glu428Thrfs*4 variant leads to a premature termination codon in exon 6 of 13 exons and is predicted to undergo nonsense-mediated decay resulting in an absent protein. These predictions have not been tested directly. Loss of function of the maternally-derived UBE3A allele is an established mechanism of disease. Using ACMG guidelines, this variant was classified as likely pathogenic for autosomal dominant Angelman syndrome (ACMG evidence codes used: PVS1, PM2_supporting).